The following is an entry in ClinVar:

NM_000368.5(TSC1):c.3066G>A (p.Arg1022=)

Gene: TSC1 (TSC complex subunit 1; minus strand). Cytogenetic location: 9q34.13.
Variant type: single nucleotide variant.
Coding change: c.3066G>A on transcript NM_000368.5 (MANE Select); coding-DNA position 3066, G replaced by A.
Protein change: p.Arg1022=; no amino-acid change (arginine 1022 retained).
Molecular consequence: synonymous variant.
Genome position (GRCh38, 1-based): chr9:132,896,664, C>T on the plus strand (G>A on the coding strand, the complement: TSC1 is on the minus strand). VCF-style: chr9-132896664-C-T. GRCh37 (hg19) VCF-style: chr9-135772051-C-T.
Other names: c.3063G>A, p.Arg1021= (NM_001162426.2); c.2913G>A, p.Arg971= (NM_001162427.2); c.2703G>A, p.Arg901= (NM_001362177.2).
Identifiers: ClinVar variation 799333 (VCV000799333.11), dbSNP rs1588287932, ClinGen allele CA467813003.

ClinVar aggregate classification (germline): Benign/Likely benign. Review status: criteria provided, multiple submitters, no conflicts (2 of 4 stars). 2 submissions from 2 submitters: Benign (1); Likely benign (1). Last evaluated 2025-04-29.

Conditions:
Tuberous sclerosis 1 (TSC1). Identifiers: Orphanet 805, MedGen C1854465, MONDO:0008612, OMIM 191100.

Allele frequency attached by ClinVar (database versions not stated): gnomAD exomes below 0.00001.
gnomAD v4.1: 1 of 1,614,044 alleles (0.000062%); highest among the groups gnomAD compares: Non-Finnish European, 0.000085%; no homozygotes.

Submissions (2):

Myriad Genetics, Inc.
Classification: Benign for Tuberous sclerosis 1. Last evaluated: 2025-04-29. Review status: criteria provided, single submitter. Criteria: Myriad Autosomal Dominant, Autosomal Recessive and X-Linked Classification Criteria (2023). Collection method: clinical testing. Allele origin: unknown.
Comment: This variant is considered benign. This variant is a silent/synonymous amino acid change and it is not expected to impact splicing.

Labcorp Genetics (formerly Invitae), Labcorp
Classification: Likely benign for Tuberous sclerosis 1. Last evaluated: 2018-12-24. Review status: criteria provided, single submitter. Criteria: Invitae Variant Classification Sherloc (09022015). Collection method: clinical testing. Allele origin: germline.